The following is an entry in ClinVar:

NM_023110.3(FGFR1):c.2062G>C (p.Val688Leu)

Gene: FGFR1 (fibroblast growth factor receptor 1; minus strand). Cytogenetic location: 8p11.23.
Variant type: single nucleotide variant.
Coding change: c.2062G>C on transcript NM_023110.3 (MANE Select); coding-DNA position 2062, G replaced by C.
Protein change: p.Val688Leu; replaces valine 688 with leucine.
Molecular consequence: missense variant.
Genome position (GRCh38, 1-based): chr8:38,414,276, C>G on the plus strand (G>C on the coding strand, the complement: FGFR1 is on the minus strand). VCF-style: chr8-38414276-C-G. GRCh37 (hg19) VCF-style: chr8-38271794-C-G.
Other names: c.1789G>C, p.Val597Leu (NM_023106.3, NM_001354370.2); c.2056G>C, p.Val686Leu (NM_001174063.2, NM_001174065.2, NM_001354367.2 and 1 more transcripts); c.2032G>C, p.Val678Leu (NM_001174064.2); c.1795G>C, p.Val599Leu (NM_001174066.2, NM_023105.3); c.2155G>C, p.Val719Leu (NM_001174067.2); c.1783G>C, p.Val595Leu (NM_001354368.2); c.2050G>C, p.Val684Leu (NM_001354369.2); short protein forms V688L, V719L, V597L, V684L, V595L, V599L, V678L, V686L.
Identifiers: ClinVar variation 372901 (VCV000372901.3), dbSNP rs1057518060, ClinGen allele CA16042715.

ClinVar aggregate classification (germline): Conflicting classifications of pathogenicity. Review status: criteria provided, conflicting classifications (1 of 4 stars). 2 submissions from 2 submitters: Likely pathogenic (1); Uncertain significance (1). Last evaluated 2024-12-24.

Conditions:
Pfeiffer syndrome (ACS5). Also called: ACS V. Identifiers: Orphanet 710, MedGen C0220658, MONDO:0007043, OMIM 101600.
Hypogonadotropic hypogonadism 2 with or without anosmia (HH2). Also called: HYPOGONADOTROPIC HYPOGONADISM 2 WITHOUT ANOSMIA; HYPOGONADOTROPIC HYPOGONADISM 2 WITH OR WITHOUT ANOSMIA, SUSCEPTIBILITY TO; HYPOGONADOTROPIC HYPOGONADISM 2 WITHOUT ANOSMIA, SUSCEPTIBILITY TO; FGFR1-Related GnRH Deficiency (Kallmann Syndrome 2). Identifiers: Orphanet 478, MedGen C1563720, MONDO:0007844, OMIM 147950. Disease mechanism: loss of function.

Submissions (2):

Labcorp Genetics (formerly Invitae), Labcorp
Classification: Uncertain significance for Pfeiffer syndrome; Hypogonadotropic hypogonadism 2 with or without anosmia. Last evaluated: 2024-12-24. Review status: criteria provided, single submitter. Criteria: Invitae Variant Classification Sherloc (09022015). Collection method: clinical testing. Allele origin: germline.
Comment: This sequence change replaces valine, which is neutral and non-polar, with leucine, which is neutral and non-polar, at codon 688 of the FGFR1 protein (p.Val688Leu). This variant is not present in population databases (gnomAD no frequency). This missense change has been observed in individual(s) with Kallmann syndrome (PMID: 25394172). ClinVar contains an entry for this variant (Variation ID: 372901). Invitae Evidence Modeling of protein sequence and biophysical properties (such as structural, functional, and spatial information, amino acid conservation, physicochemical variation, residue mobility, and thermodynamic stability) indicates that this missense variant is expected to disrupt FGFR1 protein function with a positive predictive value of 80%. This variant disrupts the p.Val688 amino acid residue in FGFR1. Other variant(s) that disrupt this residue have been observed in individuals with FGFR1-related conditions (PMID: 37805574), which suggests that this may be a clinically significant amino acid residue. In summary, the available evidence is currently insufficient to determine the role of this variant in disease. Therefore, it has been classified as a Variant of Uncertain Significance.

GeneDx
Classification: Likely pathogenic. Last evaluated: 2016-02-18. Review status: criteria provided, single submitter. Criteria: GeneDx Variant Classification (06012015). Collection method: clinical testing. Allele origin: germline. Affected: yes.
Comment: The V688L variant in the FGFR1 gene has been published previously in association with Kallman syndrome (Villanueva et al., 2015). The variant was not observed in approximately 6,400 individuals of European and African American ancestry in the NHLBI Exome Sequencing Project, indicating it is not a common benign variant in these populations. V688L is a conservative amino acid substitution, which is not likely to impact secondary protein structure as these residues share similar properties. However, this substitution occurs at a position within the tyrosine kinase domain that is conserved across species, and in silico analysis predicts this variant is probably damaging to the protein structure/function. Missense variants in nearby residues (S685F, G687R, E692K/G, I693F) have been reported in the Human Gene Mutation Database in association with Kallmann syndrome (Stenson et al., 2014), supporting the functional importance of this region of the protein. Therefore, this variant is likely pathogenic; however, the possibility that it is benign cannot be excluded.

Literature cited by the submitters: PubMed 25394172 (cited by Labcorp Genetics (formerly Invitae), Labcorp); PubMed 37805574 (cited by Labcorp Genetics (formerly Invitae), Labcorp).